The following is an entry in ClinVar:

NM_002317.7(LOX):c.1105G>A (p.Val369Ile)

Genes: LOX (lysyl oxidase; minus strand), SRFBP1 (serum response factor binding protein 1; plus strand). Cytogenetic location: 5q23.1.
Variant type: single nucleotide variant.
Coding change: c.1105G>A on transcript NM_002317.7 (MANE Select); coding-DNA position 1105, G replaced by A.
Protein change: p.Val369Ile; replaces valine 369 with isoleucine.
Molecular consequence: missense variant.
Genome position (GRCh38, 1-based): chr5:122,070,520, C>T on the plus strand (G>A on the coding strand, the complement: LOX is on the minus strand). VCF-style: chr5-122070520-C-T. GRCh37 (hg19) VCF-style: chr5-121406215-C-T.
Other names: c.415G>A, p.Val139Ile (NM_001178102.2); c.214G>A, p.Val72Ile (NM_001317073.1); short protein forms V139I, V369I, V72I.
Identifiers: ClinVar variation 2839807 (VCV002839807.3), dbSNP rs1380086603, ClinGen allele CA360880442.

ClinVar aggregate classification (germline): Uncertain significance (1 of 4 stars; one submission).

Allele frequency attached by ClinVar (database versions not stated): gnomAD exomes below 0.00001; gnomAD 0.00001.
gnomAD v4.1: 2 of 1,606,226 alleles (0.00012%); highest among the groups gnomAD compares: Non-Finnish European, 0.00017%; no homozygotes.

Submission:

Labcorp Genetics (formerly Invitae), Labcorp
Classification: Uncertain significance. Last evaluated: 2023-02-23. Review status: criteria provided, single submitter. Criteria: Invitae Variant Classification Sherloc (09022015). Collection method: clinical testing. Allele origin: germline.
Comment: Advanced modeling of protein sequence and biophysical properties (such as structural, functional, and spatial information, amino acid conservation, physicochemical variation, residue mobility, and thermodynamic stability) performed at Invitae indicates that this missense variant is expected to disrupt LOX protein function. In summary, the available evidence is currently insufficient to determine the role of this variant in disease. Therefore, it has been classified as a Variant of Uncertain Significance. This variant has not been reported in the literature in individuals affected with LOX-related conditions. This variant is not present in population databases (gnomAD no frequency). This sequence change replaces valine, which is neutral and non-polar, with isoleucine, which is neutral and non-polar, at codon 369 of the LOX protein (p.Val369Ile).